The following is an entry in ClinVar:

ClinVar aggregate classification (germline): Uncertain significance (1 of 4 stars; one submission).

Submission:

Labcorp Genetics (formerly Invitae), Labcorp
Classification: Uncertain significance. Last evaluated: 2022-11-01. Review status: criteria provided, single submitter. Criteria: Invitae Variant Classification Sherloc (09022015). Collection method: clinical testing. Allele origin: germline.
Comment: ClinVar contains an entry for this variant (Variation ID: 1417720). In summary, the available evidence is currently insufficient to determine the role of this variant in disease. Therefore, it has been classified as a Variant of Uncertain Significance. Algorithms developed to predict the effect of missense changes on protein structure and function are either unavailable or do not agree on the potential impact of this missense change (SIFT: "Not Available"; PolyPhen-2: "Probably Damaging"; Align-GVGD: "Not Available"). This variant has not been reported in the literature in individuals affected with COL9A1-related conditions. Information on the frequency of this variant in the gnomAD database is not available, as this variant may be reported differently in the database. This sequence change replaces glutamine with tryptophan at codon 621 of the COL9A1 protein (p.Gln621Trp). The glutamine residue is weakly conserved and there is a moderate physicochemical difference between glutamine and tryptophan.

NM_001851.6(COL9A1):c.1861_1862inv (p.Gln621Trp)

Gene: COL9A1 (collagen type IX alpha 1 chain; minus strand). Cytogenetic location: 6q13.
Variant type: Inversion.
Coding change: c.1861_1862inv on transcript NM_001851.6 (MANE Select).
Protein change: p.Gln621Trp; replaces glutamine 621 with tryptophan.
Molecular consequence: missense variant. On other transcripts: non-coding transcript variant (1).
Genome position: GRCh38 VCF-style: chr6-70252130-TG-CA. GRCh37 (hg19) VCF-style: chr6-70961833-TG-CA.
Other names: c.1162_1163inv, p.Gln388Trp (NM_001377289.1); c.1132_1133inv, p.Gln378Trp (NM_001377290.1, NM_078485.4); short protein forms Q378W, Q388W, Q621W.
Identifiers: ClinVar variation 1417720 (VCV001417720.5), ClinGen allele CA2573141080.